The following is an entry in ClinVar:

NM_182920.2(ADAMTS9):c.1439G>A (p.Arg480Gln)

Gene: ADAMTS9 (ADAM metallopeptidase with thrombospondin type 1 motif 9; minus strand). Cytogenetic location: 3p14.1.
Variant type: single nucleotide variant.
Coding change: c.1439G>A on transcript NM_182920.2 (MANE Select); coding-DNA position 1439, G replaced by A.
Protein change: p.Arg480Gln; replaces arginine 480 with glutamine.
Molecular consequence: missense variant.
Genome position (GRCh38, 1-based): chr3:64,651,041, C>T on the plus strand (G>A on the coding strand, the complement: ADAMTS9 is on the minus strand). VCF-style: chr3-64651041-C-T. GRCh37 (hg19) VCF-style: chr3-64636717-C-T.
Other names: c.1355G>A, p.Arg452Gln (NM_001318781.2); short protein forms R480Q, R452Q.
Identifiers: ClinVar variation 2215188 (VCV002215188.4), dbSNP rs779284125, ClinGen allele CA2481546.
Genomic context (GRCh38, chr3:64,651,041, plus strand): 5'-CTAGAAGTTTGTGCTAAAAGAATGTTCAAGTCTTACTCTAAAAACTCAGTGATATATTTT[C>T]GACTACACTTTGACCACATCCAGGGGTTGGTGTAGAAGTTCAGTGTTGGAGCCATGACAT-3'
Protein context (NP_891550.1, residues 470-490): TNPWMWSKCS[Arg480Gln]KYITEFLDTG

ClinVar aggregate classification (germline): Uncertain significance. Review status: criteria provided, multiple submitters, no conflicts (2 of 4 stars). 2 submissions from 2 submitters: Uncertain significance (2). Last evaluated 2025-01-29.

Allele frequency attached by ClinVar (database versions not stated): gnomAD exomes 0.00005; ExAC 0.00012; gnomAD 0.00012; TOPMed 0.00015.
gnomAD v4.1: 89 of 1,605,314 alleles (0.0055%); highest among the groups gnomAD compares: African/African-American, 0.024%; 1 homozygote.

Submissions (2):

Ambry Genetics
Classification: Uncertain significance. Last evaluated: 2025-01-29. Review status: criteria provided, single submitter. Criteria: Ambry Variant Classification Scheme 2023. Collection method: clinical testing. Allele origin: germline.

Labcorp Genetics (formerly Invitae), Labcorp
Classification: Uncertain significance. Last evaluated: 2023-12-28. Review status: criteria provided, single submitter. Criteria: Invitae Variant Classification Sherloc (09022015). Collection method: clinical testing. Allele origin: germline.
Comment: This sequence change replaces arginine, which is basic and polar, with glutamine, which is neutral and polar, at codon 480 of the ADAMTS9 protein (p.Arg480Gln). This variant is present in population databases (rs779284125, gnomAD 0.05%). This variant has not been reported in the literature in individuals affected with ADAMTS9-related conditions. ClinVar contains an entry for this variant (Variation ID: 2215188). An algorithm developed to predict the effect of missense changes on protein structure and function (PolyPhen-2) suggests that this variant¬†is likely to be tolerated. Algorithms developed to predict the effect of sequence changes on RNA splicing suggest that this variant may disrupt the consensus splice site. In summary, the available evidence is currently insufficient to determine the role of this variant in disease. Therefore, it has been classified as a Variant of Uncertain Significance.